The following is an entry in ClinVar:

ClinVar aggregate classification (germline): Uncertain significance. Review status: criteria provided, multiple submitters, no conflicts (2 of 4 stars). 2 submissions from 2 submitters: Uncertain significance (2). Last evaluated 2026-07-05.

Conditions:
Hereditary cancer-predisposing syndrome. Also called: Tumor predisposition; Hereditary Cancer Syndrome; Hereditary neoplastic syndrome; Neoplastic Syndromes, Hereditary. Identifiers: Orphanet 140162, MedGen C0027672, MeSH D009386, MONDO:0015356.

Submissions (2):

Ambry Genetics
Classification: Uncertain significance for Hereditary cancer-predisposing syndrome. Last evaluated: 2026-07-05. Review status: criteria provided, single submitter. Criteria: Ambry Variant Classification Scheme 2023. Collection method: clinical testing. Allele origin: germline.
Comment: The p.L87S variant (also known as c.260T>C), located in coding exon 3 of the TSC1 gene, results from a T to C substitution at nucleotide position 260. The leucine at codon 87 is replaced by serine, an amino acid with dissimilar properties. This amino acid position is conserved. In addition, this alteration is predicted to be deleterious by in silico analysis. Based on the available evidence, the clinical significance of this variant remains unclear.

GeneDx
Classification: Uncertain significance. Last evaluated: 2024-05-22. Review status: criteria provided, single submitter. Criteria: GeneDx Variant Classification Process June 2021. Collection method: clinical testing. Allele origin: germline. Affected: yes.
Comment: Not observed at significant frequency in large population cohorts (gnomAD); In silico analysis supports that this missense variant has a deleterious effect on protein structure/function; Has not been previously published as pathogenic or benign to our knowledge

NM_000368.5(TSC1):c.260T>C (p.Leu87Ser)

Gene: TSC1 (TSC complex subunit 1; minus strand). Cytogenetic location: 9q34.13.
Variant type: single nucleotide variant.
Coding change: c.260T>C on transcript NM_000368.5 (MANE Select); coding-DNA position 260, T replaced by C.
Protein change: p.Leu87Ser; replaces leucine 87 with serine.
Molecular consequence: missense variant. On other transcripts: 5 prime UTR variant (18), non-coding transcript variant (5), intron variant (5).
Genome position (GRCh38, 1-based): chr9:132,925,690, A>G on the plus strand (T>C on the coding strand, the complement: TSC1 is on the minus strand). VCF-style: chr9-132925690-A-G. GRCh37 (hg19) VCF-style: chr9-135801077-A-G.
Other names: c.260T>C, p.Leu87Ser (NM_001162426.2, NM_001406592.1, NM_001406593.1 and 16 more transcripts); c.-104T>C (NM_001362177.2, NM_001406617.1, NM_001406618.1 and 5 more transcripts); c.-196T>C (NM_001406614.1, NM_001406616.1, NM_001406624.1); c.-229T>C (NM_001406615.1, NM_001406623.1); c.-618T>C (NM_001406626.1, NM_001406627.1, NM_001406628.1); c.-760T>C (NM_001406629.1); c.-834T>C (NM_001406630.1); c.210+1511T>C (NM_001406613.1, NM_001406612.1, NM_001406610.1 and 2 more transcripts); short protein forms L87S.
Identifiers: ClinVar variation 3381303 (VCV003381303.2).
Genomic context (GRCh38, chr9:132,925,690, plus strand): 5'-AGCTTATGCTTCCAAGATGGCTGCAGTCTTATGACATGACCCAGTAACGAGAGGATGGAT[A>G]AACGAGTGGCGGCTTTGCCCACATATTCGTTAATCCTGTCCAAGAGGTGCTGAAAATGTA-3'
Protein context (NP_000359.1, residues 77-97): NEYVGKAATR[Leu87Ser]SILSLLGHVI